The following is an entry in ClinVar:

NM_002667.5(PLN):c.*397T>G

Genes: CEP85L (centrosomal protein 85L; minus strand), PLN (phospholamban; plus strand). Cytogenetic location: 6q22.31.
Variant type: single nucleotide variant.
Coding change: c.*397T>G on transcript NM_002667.5 (MANE Select); 397 bases downstream of the stop codon, T replaced by G.
Molecular consequence: 3 prime UTR variant. On other transcripts: intron variant (3).
Genome position (GRCh38, 1-based): chr6:118,559,477, T>G. VCF-style: chr6-118559477-T-G. GRCh37 (hg19) VCF-style: chr6-118880640-T-G.
Other names: c.1029+6052A>C (NM_001178035.2); c.1020+6052A>C (NM_001042475.3, NM_206921.3).
Identifiers: ClinVar variation 355141 (VCV000355141.5), dbSNP rs12198461, ClinGen allele CA10621301.

ClinVar aggregate classification (germline): Benign (1 of 4 stars; one submission).

Conditions:
Dilated cardiomyopathy 1P (CMD1P). Identifiers: Orphanet 154, MedGen C1835928, MONDO:0012362, OMIM 609909.

Allele frequency attached by ClinVar (database versions not stated): 1000 Genomes Project 30x 0.39116; 1000 Genomes Project 0.39437; TOPMed 0.44508; gnomAD 0.47403; gnomAD exomes 0.49271.
gnomAD v4.1: 110,980 of 233,892 alleles (47%); highest among the groups gnomAD compares: Non-Finnish European, 54%; 27,328 homozygotes.

Submission:

Illumina Laboratory Services, Illumina
Classification: Benign for Dilated cardiomyopathy 1P. Last evaluated: 2018-01-12. Review status: criteria provided, single submitter. Criteria: ICSL Variant Classification Criteria 13 December 2019. Collection method: clinical testing. Allele origin: germline.
Comment: This variant was observed in the ICSL laboratory as part of a predisposition screen in an ostensibly healthy population. It had not been previously curated by ICSL or reported in the Human Gene Mutation Database (HGMD: prior to June 1st, 2018), and was therefore a candidate for classification through an automated scoring system. Utilizing variant allele frequency, disease prevalence and penetrance estimates, and inheritance mode, an automated score was calculated to assess if this variant is too frequent to cause the disease. Based on the score and internal cut-off values, a variant classified as benign is not then subjected to further curation. The score for this variant resulted in a classification of benign for this disease.